The following is an entry in ClinVar:

ClinVar aggregate classification (germline): Likely benign. Review status: criteria provided, multiple submitters, no conflicts (2 of 4 stars). 3 submissions from 3 submitters: Likely benign (3). Last evaluated 2025-12-01.

Conditions:
Autosomal recessive limb-girdle muscular dystrophy type 2J (LGMDR10). Also called: Limb-girdle muscular dystrophy, type 2J; MUSCULAR DYSTROPHY, LIMB-GIRDLE, AUTOSOMAL RECESSIVE 10. Identifiers: Orphanet 140922, MedGen C1837342, MONDO:0012127, OMIM 608807.
Dilated cardiomyopathy 1G (CMD1G). Identifiers: Orphanet 154, MedGen C1858763, MONDO:0011400, OMIM 604145.

Allele frequency attached by ClinVar (database versions not stated): gnomAD exomes below 0.00001; TOPMed below 0.00001; ExAC 0.00001; ESP Exome Variant Server 0.00008.

Submissions (3):

CeGaT Center for Human Genetics Tuebingen
Classification: Likely benign. Last evaluated: 2025-12-01. Review status: criteria provided, single submitter. Criteria: CeGaT Center For Human Genetics Tuebingen Variant Classification Criteria Version 2. Collection method: clinical testing. Allele origin: germline. Affected: yes. Observed: 1 variant allele.
Comment: TTN: BP4, BP7

GeneDx
Classification: Likely benign. Last evaluated: 2021-12-17. Review status: criteria provided, single submitter. Criteria: GeneDx Variant Classification Process June 2021. Collection method: clinical testing. Allele origin: germline. Affected: yes.
Comment: See Variant Classification Assertion Criteria.

Labcorp Genetics (formerly Invitae), Labcorp
Classification: Likely benign for Dilated cardiomyopathy 1G; Autosomal recessive limb-girdle muscular dystrophy type 2J. Last evaluated: 2021-10-20. Review status: criteria provided, single submitter. Criteria: Invitae Variant Classification Sherloc (09022015). Collection method: clinical testing. Allele origin: germline.

NM_001267550.2(TTN):c.74872T>C (p.Leu24958=)

Genes: TTN (titin; minus strand), TTN-AS1 (TTN antisense RNA 1; plus strand). Cytogenetic location: 2q31.2.
Variant type: single nucleotide variant.
Coding change: c.74872T>C on transcript NM_001267550.2 (MANE Select); coding-DNA position 74872, T replaced by C.
Protein change: p.Leu24958=; no amino-acid change (leucine 24958 retained).
Molecular consequence: synonymous variant.
Genome position (GRCh38, 1-based): chr2:178,571,260, A>G on the plus strand (T>C on the coding strand, the complement: TTN is on the minus strand). VCF-style: chr2-178571260-A-G. GRCh37 (hg19) VCF-style: chr2-179435987-A-G.
Other names: c.69949T>C, p.Leu23317= (NM_001256850.1); c.47677T>C, p.Leu15893= (NM_003319.4); c.67168T>C, p.Leu22390= (NM_133378.4); c.48052T>C, p.Leu16018= (NM_133432.3); c.48253T>C, p.Leu16085= (NM_133437.4).
Identifiers: ClinVar variation 1611921 (VCV001611921.14), dbSNP rs371888899, ClinGen allele CA1990131.